The following is an entry in ClinVar:

NM_001042492.3(NF1):c.1023_1024del (p.Ile342fs)

Gene: NF1 (neurofibromin 1; plus strand). Cytogenetic location: 17q11.2.
Variant type: Deletion.
Coding change: c.1023_1024del on transcript NM_001042492.3 (MANE Select); coding-DNA positions 1023 to 1024, 2 bases deleted (CA; older notation c.1023_1024delCA).
Protein change: p.Ile342fs; shifts the reading frame from isoleucine 342.
Molecular consequence: frameshift variant.
Genome position (GRCh38, 1-based): chr17:31,200,556-31,200,557, CA deleted. VCF-style (leftmost placement, unchanged base first): chr17-31200555-TCA-T. GRCh37 (hg19) VCF-style: chr17-29527573-TCA-T.
Other names: c.1023_1024delCA, p.Ile342Phefs (NM_000267.4); c.1023_1024del, p.Ile342fs (NM_001128147.3); short protein forms I342fs.
Identifiers: ClinVar variation 1075316 (VCV001075316.5), dbSNP rs2143874127, ClinGen allele CA2499224015.

ClinVar aggregate classification (germline): Pathogenic (1 of 4 stars; one submission).

Conditions:
Neurofibromatosis, type 1 (NF1). Also called: VON RECKLINGHAUSEN DISEASE; Peripheral type neurofibromatosis; NEUROFIBROMATOSIS, TYPE I, SOMATIC; Neurofibromatosis, type I. Identifiers: Orphanet 636, MedGen C0027831, MONDO:0018975, OMIM 162200. Disease mechanism: loss of function.

Submission:

Labcorp Genetics (formerly Invitae), Labcorp
Classification: Pathogenic for Neurofibromatosis, type 1. Last evaluated: 2020-06-13. Review status: criteria provided, single submitter. Criteria: Invitae Variant Classification Sherloc (09022015). Collection method: clinical testing. Allele origin: germline.
Comment: This sequence change creates a premature translational stop signal (p.Ile342Phefs*10) in the NF1 gene. It is expected to result in an absent or disrupted protein product. This variant is not present in population databases (ExAC no frequency). This variant has not been reported in the literature in individuals with NF1-related conditions. Loss-of-function variants in NF1 are known to be pathogenic (PMID: 10712197, 23913538). For these reasons, this variant has been classified as Pathogenic.

Literature cited by the submitters: PubMed 10712197; PubMed 23913538.